The following is an entry in ClinVar:

NM_182643.3(DLC1):c.2179C>T (p.Pro727Ser)

Gene: DLC1 (DLC1 Rho GTPase activating protein; minus strand). Cytogenetic location: 8p22.
Variant type: single nucleotide variant.
Coding change: c.2179C>T on transcript NM_182643.3 (MANE Select); coding-DNA position 2179, C replaced by T.
Protein change: p.Pro727Ser; replaces proline 727 with serine.
Molecular consequence: missense variant.
Genome position (GRCh38, 1-based): chr8:13,100,158, G>A on the plus strand (C>T on the coding strand, the complement: DLC1 is on the minus strand). VCF-style: chr8-13100158-G-A. GRCh37 (hg19) VCF-style: chr8-12957667-G-A.
Other names: c.646C>T, p.Pro216Ser (NM_001164271.2, NM_001348082.2, NM_001348083.1 and 6 more transcripts); c.970C>T, p.Pro324Ser (NM_001316668.2, NM_001413129.1); c.2179C>T, p.Pro727Ser (NM_001348081.2, NM_001413124.1); c.961C>T, p.Pro321Ser (NM_001413130.1); c.619C>T, p.Pro207Ser (NM_001413131.1, NM_001413137.1); c.1105C>T, p.Pro369Ser (NM_001413132.1); c.868C>T, p.Pro290Ser (NM_001413135.1, NM_001413136.1, NM_001413139.1 and 1 more transcripts); c.1003C>T, p.Pro335Ser (NM_001413140.1); short protein forms P324S, P727S, P216S, P207S, P290S, P335S, P369S, P321S.
Identifiers: ClinVar variation 2069903 (VCV002069903.4), dbSNP rs1818917731, ClinGen allele CA370346514.
Genomic context (GRCh38, chr8:13,100,158, plus strand): 5'-ACTGGCTGCTGCTGCTGCTGGTCTGCGTGGAGTTGGAAACGCTCCTCTTTCGTACCATGG[G>A]GACGTTGATGCGGTTGCCATTGAGGGCGGAGATCTCCACGCAGTTGAGCTGCTTCAGCTT-3'
Protein context (NP_872584.2, residues 717-737): SALNGNRINV[Pro727Ser]MVRKRSVSNS

ClinVar aggregate classification (germline): Uncertain significance (1 of 4 stars; one submission).

Allele frequency attached by ClinVar (database versions not stated): gnomAD exomes below 0.00001.
gnomAD v4.1: 1 of 1,614,122 alleles (0.000062%); highest among the groups gnomAD compares: Non-Finnish European, 0.000085%; no homozygotes.

Submission:

Labcorp Genetics (formerly Invitae), Labcorp
Classification: Uncertain significance. Last evaluated: 2024-03-04. Review status: criteria provided, single submitter. Criteria: Invitae Variant Classification Sherloc (09022015). Collection method: clinical testing. Allele origin: germline.
Comment: This sequence change replaces proline, which is neutral and non-polar, with serine, which is neutral and polar, at codon 727 of the DLC1 protein (p.Pro727Ser). This variant is not present in population databases (gnomAD no frequency). This variant has not been reported in the literature in individuals affected with DLC1-related conditions. ClinVar contains an entry for this variant (Variation ID: 2069903). An algorithm developed to predict the effect of missense changes on protein structure and function (PolyPhen-2) suggests that this variant is likely to be disruptive. In summary, the available evidence is currently insufficient to determine the role of this variant in disease. Therefore, it has been classified as a Variant of Uncertain Significance.